The following is an entry in ClinVar:

NC_000004.12:g.109943252AG[2]

Gene: EGF (epidermal growth factor; plus strand). Cytogenetic location: 4q25.
Variant type: Microsatellite.
Genome position: GRCh38 VCF-style: chr4-109943251-CAG-C. GRCh37 (hg19) VCF-style: chr4-110864407-CAG-C.
Identifiers: ClinVar variation 4806109 (VCV004806109.1).

ClinVar aggregate classification (germline): Uncertain significance (1 of 4 stars; one submission).

Submission:

Labcorp Genetics (formerly Invitae), Labcorp
Classification: Uncertain significance. Last evaluated: 2025-12-20. Review status: criteria provided, single submitter. Criteria: Invitae Variant Classification Sherloc (09022015). Collection method: clinical testing. Allele origin: germline.
Comment: This sequence change creates a premature translational stop signal (p.Arg110Serfs*3) in the EGF gene. It is expected to result in an absent or disrupted protein product. However, the current clinical and genetic evidence is not sufficient to establish whether loss-of-function variants in EGF cause disease. This variant is present in population databases (no rsID available, gnomAD 0.004%). This variant has not been reported in the literature in individuals affected with EGF-related conditions. Algorithms developed to predict the effect of sequence changes on RNA splicing suggest that this variant may disrupt the consensus splice site. In summary, the available evidence is currently insufficient to determine the role of this variant in disease. Therefore, it has been classified as a Variant of Uncertain Significance.